The following is an entry in ClinVar:

ClinVar aggregate classification (germline): Uncertain significance. Review status: criteria provided, multiple submitters, no conflicts (2 of 4 stars). 2 submissions from 2 submitters: Uncertain significance (2). Last evaluated 2024-10-08.

Allele frequency attached by ClinVar (database versions not stated): TOPMed 0.00002; gnomAD 0.00004 and 0.00005; gnomAD exomes 0.00007 and 0.00010; ExAC 0.00010.
gnomAD v4.1: 115 of 1,613,768 alleles (0.0071%); highest among the groups gnomAD compares: South Asian, 0.065%; 1 homozygote.

Submissions (2):

Blueprint Genetics
Classification: Uncertain significance. Last evaluated: 2024-10-08. Review status: criteria provided, single submitter. Criteria: ACMG Guidelines, 2015. Collection method: clinical testing. Allele origin: germline.

Labcorp Genetics (formerly Invitae), Labcorp
Classification: Uncertain significance. Last evaluated: 2023-08-30. Review status: criteria provided, single submitter. Criteria: Invitae Variant Classification Sherloc (09022015). Collection method: clinical testing. Allele origin: germline.
Comment: ClinVar contains an entry for this variant (Variation ID: 1003845). Advanced modeling of protein sequence and biophysical properties (such as structural, functional, and spatial information, amino acid conservation, physicochemical variation, residue mobility, and thermodynamic stability) performed at Invitae indicates that this missense variant is not expected to disrupt GRM6 protein function. In summary, the available evidence is currently insufficient to determine the role of this variant in disease. Therefore, it has been classified as a Variant of Uncertain Significance. This variant has not been reported in the literature in individuals affected with GRM6-related conditions. This variant is present in population databases (rs777209437, gnomAD 0.06%). This sequence change replaces arginine, which is basic and polar, with glutamine, which is neutral and polar, at codon 274 of the GRM6 protein (p.Arg274Gln).

NM_000843.4(GRM6):c.821G>A (p.Arg274Gln)

Gene: GRM6 (glutamate metabotropic receptor 6; minus strand). Cytogenetic location: 5q35.3.
Variant type: single nucleotide variant.
Coding change: c.821G>A on transcript NM_000843.4 (MANE Select); coding-DNA position 821, G replaced by A.
Protein change: p.Arg274Gln; replaces arginine 274 with glutamine.
Molecular consequence: missense variant.
Genome position (GRCh38, 1-based): chr5:178,991,460, C>T on the plus strand (G>A on the coding strand, the complement: GRM6 is on the minus strand). VCF-style: chr5-178991460-C-T. GRCh37 (hg19) VCF-style: chr5-178418461-C-T.
Other names: short protein forms R274Q.
Identifiers: ClinVar variation 1003845 (VCV001003845.9), dbSNP rs777209437, ClinGen allele CA3594340.